The following is an entry in ClinVar:

NM_004168.4(SDHA):c.1416A>T (p.Glu472Asp)

Gene: SDHA (succinate dehydrogenase complex flavoprotein subunit A; plus strand). Cytogenetic location: 5p15.33.
Variant type: single nucleotide variant.
Coding change: c.1416A>T on transcript NM_004168.4 (MANE Select); coding-DNA position 1416, A replaced by T.
Protein change: p.Glu472Asp; replaces glutamic acid 472 with aspartic acid.
Molecular consequence: missense variant.
Genome position (GRCh38, 1-based): chr5:236,583, A>T. VCF-style: chr5-236583-A-T. GRCh37 (hg19) VCF-style: chr5-236698-A-T.
Other names: c.1416A>T (NM_004168.2); c.1272A>T, p.Glu424Asp (NM_001294332.2); c.1416A>T, p.Glu472Asp (NM_001330758.2); short protein forms E472D, E424D.
Identifiers: ClinVar variation 2940247 (VCV002940247.4), dbSNP rs2126590630, ClinGen allele CA359014110.

ClinVar aggregate classification (germline): Uncertain significance. Review status: criteria provided, multiple submitters, no conflicts (2 of 4 stars). 2 submissions from 2 submitters: Uncertain significance (2). Last evaluated 2023-12-10.

Conditions:
Mitochondrial complex II deficiency, nuclear type 1. Also called: SUCCINATE CoQ REDUCTASE DEFICIENCY. Identifiers: Orphanet 3208, MedGen C5700310, MONDO:0100294, OMIM 252011.
Pheochromocytoma/paraganglioma syndrome 5. Also called: Paragangliomas 5; SDHA-Related Hereditary Paraganglioma-Pheochromocytoma Syndrome. Identifiers: Orphanet 29072, MedGen C3279992, MONDO:0013602, OMIM 614165.
Hereditary cancer-predisposing syndrome. Also called: Neoplastic Syndromes, Hereditary; Tumor predisposition; Hereditary Cancer Syndrome; Hereditary neoplastic syndrome. Identifiers: Orphanet 140162, MedGen C0027672, MeSH D009386, MONDO:0015356.

Allele frequency attached by ClinVar (database versions not stated): gnomAD exomes 0.00001.
gnomAD v4.1: 15 of 1,613,994 alleles (0.00093%); highest among the groups gnomAD compares: Non-Finnish European, 0.0012%; no homozygotes.

Submissions (2):

Ambry Genetics
Classification: Uncertain significance for Hereditary cancer-predisposing syndrome. Last evaluated: 2023-12-10. Review status: criteria provided, single submitter. Criteria: Ambry Variant Classification Scheme 2023. Collection method: clinical testing. Allele origin: germline.
Comment: The p.E472D variant (also known as c.1416A>T), located in coding exon 10 of the SDHA gene, results from an A to T substitution at nucleotide position 1416. The glutamic acid at codon 472 is replaced by aspartic acid, an amino acid with highly similar properties. This amino acid position is conserved. In addition, this alteration is predicted to be tolerated by in silico analysis. Since supporting evidence is limited at this time, the clinical significance of this alteration remains unclear.

Labcorp Genetics (formerly Invitae), Labcorp
Classification: Uncertain significance for Pheochromocytoma/paraganglioma syndrome 5; Mitochondrial complex II deficiency, nuclear type 1. Last evaluated: 2023-06-02. Review status: criteria provided, single submitter. Criteria: Invitae Variant Classification Sherloc (09022015). Collection method: clinical testing. Allele origin: germline.
Comment: In summary, the available evidence is currently insufficient to determine the role of this variant in disease. Therefore, it has been classified as a Variant of Uncertain Significance. Advanced modeling of protein sequence and biophysical properties (such as structural, functional, and spatial information, amino acid conservation, physicochemical variation, residue mobility, and thermodynamic stability) performed at Invitae indicates that this missense variant is not expected to disrupt SDHA protein function. This variant has not been reported in the literature in individuals affected with SDHA-related conditions. This variant is not present in population databases (gnomAD no frequency). This sequence change replaces glutamic acid, which is acidic and polar, with aspartic acid, which is acidic and polar, at codon 472 of the SDHA protein (p.Glu472Asp).